The following is an entry in ClinVar:

NM_001875.5(CPS1):c.2423G>A (p.Ser808Asn)

Gene: CPS1 (carbamoyl-phosphate synthase 1; plus strand). Cytogenetic location: 2q34.
Variant type: single nucleotide variant.
Coding change: c.2423G>A on transcript NM_001875.5 (MANE Select); coding-DNA position 2423, G replaced by A.
Protein change: p.Ser808Asn; replaces serine 808 with asparagine.
Molecular consequence: missense variant. On other transcripts: non-coding transcript variant (2).
Genome position (GRCh38, 1-based): chr2:210,612,148, G>A. VCF-style: chr2-210612148-G-A. GRCh37 (hg19) VCF-style: chr2-211476872-G-A.
Other names: c.2423G>A, p.Ser808Asn (NM_001122633.3, NM_001369257.1); c.2456G>A, p.Ser819Asn (NM_001369256.1); short protein forms S808N, S819N.
Identifiers: ClinVar variation 3360419 (VCV003360419.1).
Genomic context (GRCh38, chr2:210,612,148, plus strand): 5'-CAATATGAGGTCTTAAACATGTATTACAGGTCATGGCTATTGGTCGTACCTTTGAGGAGA[G>A]TTTCCAGAAAGCTTTACGGATGTGCCACCCATCTATAGAAGGTTTCACTCCCCGTCTCCC-3'
Protein context (NP_001866.2, residues 798-818): VMAIGRTFEE[Ser808Asn]FQKALRMCHP

ClinVar aggregate classification (germline): Uncertain significance (1 of 4 stars; one submission).

Submission:

GeneDx
Classification: Uncertain significance. Last evaluated: 2023-06-27. Review status: criteria provided, single submitter. Criteria: GeneDx Variant Classification Process June 2021. Collection method: clinical testing. Allele origin: germline. Affected: yes.
Comment: Not observed at significant frequency in large population cohorts (gnomAD); In silico analysis supports that this missense variant has a deleterious effect on protein structure/function; Has not been previously published as pathogenic or benign to our knowledge